The following is an entry in ClinVar:

NM_000553.6(WRN):c.3382A>C (p.Ser1128Arg)

Gene: WRN (WRN RecQ like helicase; plus strand). Cytogenetic location: 8p12.
Variant type: single nucleotide variant.
Coding change: c.3382A>C on transcript NM_000553.6 (MANE Select); coding-DNA position 3382, A replaced by C.
Protein change: p.Ser1128Arg; replaces serine 1128 with arginine.
Molecular consequence: missense variant.
Genome position (GRCh38, 1-based): chr8:31,143,622, A>C. VCF-style: chr8-31143622-A-C. GRCh37 (hg19) VCF-style: chr8-31001138-A-C.
Other names: short protein forms S1128R.
Identifiers: ClinVar variation 581431 (VCV000581431.5), dbSNP rs1169330916, ClinGen allele CA370924244.

ClinVar aggregate classification (germline): Uncertain significance (1 of 4 stars; one submission).

Conditions:
Werner syndrome (WRN). Identifiers: Orphanet 902, MedGen C0043119, MONDO:0010196, OMIM 277700.

Allele frequency attached by ClinVar (database versions not stated): gnomAD exomes below 0.00001; TOPMed below 0.00001; gnomAD 0.00001.
gnomAD v4.1: 25 of 1,578,742 alleles (0.0016%); highest among the groups gnomAD compares: Non-Finnish European, 0.002%; no homozygotes.

Submission:

Labcorp Genetics (formerly Invitae), Labcorp
Classification: Uncertain significance for Werner syndrome. Last evaluated: 2023-12-09. Review status: criteria provided, single submitter. Criteria: Invitae Variant Classification Sherloc (09022015). Collection method: clinical testing. Allele origin: germline.
Comment: This sequence change replaces serine, which is neutral and polar, with arginine, which is basic and polar, at codon 1128 of the WRN protein (p.Ser1128Arg). This variant is present in population databases (no rsID available, gnomAD 0.0009%). This missense change has been observed in individual(s) with dyslipidemia (PMID: 32041611). ClinVar contains an entry for this variant (Variation ID: 581431). Algorithms developed to predict the effect of missense changes on protein structure and function output the following: SIFT: "Not Available"; PolyPhen-2: "Benign"; Align-GVGD: "Not Available". The arginine amino acid residue is found in multiple mammalian species, which suggests that this missense change does not adversely affect protein function. Algorithms developed to predict the effect of sequence changes on RNA splicing suggest that this variant may disrupt the consensus splice site. In summary, the available evidence is currently insufficient to determine the role of this variant in disease. Therefore, it has been classified as a Variant of Uncertain Significance.

Literature cited by the submitters: PubMed 32041611.